The following is an entry in ClinVar:

GRCh38/hg38 17p13.3(chr17:240638-1939562)x1

Genes: ABR (ABR activator of RhoGEF and GTPase; minus strand), ABR-AS1 (ABR antisense RNA 1; plus strand), BHLHA9 (basic helix-loop-helix family member a9; plus strand), CRK (CRK proto-oncogene, adaptor protein; minus strand), CRK-AS1 (CRK antisense RNA 1; plus strand) and 98 more. Cytogenetic location: 17p13.3.
Variant type: copy number loss.
Change: copy number 1 (one copy instead of two) of chr17:240,638-1,939,562 (1.70 Mb, GRCh38 coordinates, 1-based), cytogenetic band 17p13.3.
Identifiers: ClinVar variation 4755351 (VCV004755351.1).

ClinVar aggregate classification (germline): Pathogenic (1 of 4 stars; one submission).

Submission:

Clinical Genomics Laboratory, Laboratory for Precision Diagnostics, University of Washington
Classification: Pathogenic. Last evaluated: 2021-08-10. Review status: criteria provided, single submitter. Criteria: ACMG/ClinGen CNV Guidelines, 2019. Collection method: clinical testing. Allele origin: unknown. Affected: yes. Observed: 1 variant allele.
Comment: Terminal and interstitial deletions of variable size in 17p13.3 that do NOT encompass PAFAH1B1 have been reported in many individuals. The most consistent clinical features are prenatal and postnatal growth restriction, distinctive facial features, developmental delay, and mild to moderate cognitive disability. Case 7 in the series reported by PMID: 20452996 has prenatal and postnatal growth restriction, mild cognitive disability, distinctive facial features.and a deletion nearly identical to the one identified here. Two patients in the DECIPHER database have de novo deletions nearly identical to the one found in Allison Podolyak. Patient 267112 has a congenital heart defect (ASD, pulmonic and tricuspid stenosis, VSD), a slender build, and hypotonia, although that patient also has a 1.4 Mb 13q deletion inherited from a phenotypically normal parent. Loss of function of may account for some of the clinical findings in people with deletions of this region. YWHAE is predicted to be haploinsufficient by multiple algorithms (pLI 0.98, LOEUF 0.23, sHet 0.171, %HI 1.80).

Literature cited by the submitters: PubMed 28232781; PubMed 20452996; PubMed 22887762; PubMed 28542865.